The following is an entry in ClinVar:

ClinVar aggregate classification (germline): Likely benign (1 of 4 stars; one submission).

Allele frequency attached by ClinVar (database versions not stated): gnomAD 0.00044; 1000 Genomes Project 30x 0.00062; 1000 Genomes Project 0.00100; ExAC 0.00153.

Submission:

CeGaT Center for Human Genetics Tuebingen
Classification: Likely benign. Last evaluated: 2022-04-01. Review status: criteria provided, single submitter. Criteria: CeGaT Center For Human Genetics Tuebingen Variant Classification Criteria Version 2. Collection method: clinical testing. Allele origin: germline. Affected: yes. Observed: 1 variant allele.
Comment: BCLAF1: BP4

NM_014739.3(BCLAF1):c.525A>G (p.Glu175=)

Gene: BCLAF1 (BCL2 associated transcription factor 1; minus strand). Cytogenetic location: 6q23.3.
Variant type: single nucleotide variant.
Coding change: c.525A>G on transcript NM_014739.3 (MANE Select); coding-DNA position 525, A replaced by G.
Protein change: p.Glu175=; no amino-acid change (glutamic acid 175 retained).
Molecular consequence: synonymous variant. On other transcripts: non-coding transcript variant (7).
Genome position (GRCh38, 1-based): chr6:136,278,356, T>C on the plus strand (A>G on the coding strand, the complement: BCLAF1 is on the minus strand). VCF-style: chr6-136278356-T-C. GRCh37 (hg19) VCF-style: chr6-136599494-T-C.
Other names: c.519A>G, p.Glu173= (NM_001077440.3, NM_001301038.3, NM_001386696.1 and 2 more transcripts); c.525A>G, p.Glu175= (NM_001077441.3, NM_001363659.3, NM_001386693.1 and 8 more transcripts).
Identifiers: ClinVar variation 2656929 (VCV002656929.24), dbSNP rs535190292, ClinGen allele CA4015213.